The following is an entry in ClinVar:

ClinVar aggregate classification (germline): Uncertain significance (1 of 4 stars; one submission).

Conditions:
SCAPER-related disorder. Also called: SCAPER-related condition.

gnomAD v4.1: 2 of 1,613,778 alleles (0.00012%); highest among the groups gnomAD compares: Admixed American, 0.0017%; no homozygotes.

Submission:

PreventionGenetics, part of Exact Sciences
Classification: Uncertain significance for SCAPER-related condition. Last evaluated: 2025-03-19. Review status: criteria provided, single submitter. Criteria: ACMG Guidelines, 2015. Collection method: clinical testing. Allele origin: germline.
Comment: The SCAPER c.911G>A variant is predicted to result in the amino acid substitution p.Cys304Tyr. To our knowledge, this variant has not been reported in the literature. This variant is reported in 0.0065% of alleles in individuals of African descent in gnomAD. At this time, the clinical significance of this variant is uncertain due to the absence of conclusive functional and genetic evidence.

NM_020843.4(SCAPER):c.911G>A (p.Cys304Tyr)

Gene: SCAPER (S-phase cyclin A associated protein in the ER; minus strand). Cytogenetic location: 15q24.3.
Variant type: single nucleotide variant.
Coding change: c.911G>A on transcript NM_020843.4 (MANE Select); coding-DNA position 911, G replaced by A.
Protein change: p.Cys304Tyr; replaces cysteine 304 with tyrosine.
Molecular consequence: missense variant. On other transcripts: non-coding transcript variant (1).
Genome position (GRCh38, 1-based): chr15:76,774,979, C>T on the plus strand (G>A on the coding strand, the complement: SCAPER is on the minus strand). VCF-style: chr15-76774979-C-T. GRCh37 (hg19) VCF-style: chr15-77067320-C-T.
Other names: c.173G>A, p.Cys58Tyr (NM_001145923.2); c.911G>A, p.Cys304Tyr (NM_001353009.2); c.509G>A, p.Cys170Tyr (NM_001353010.2, NM_001353011.2, NM_001353012.2); short protein forms C304Y, C58Y, C170Y.
Identifiers: ClinVar variation 4997413 (VCV004997413.1).